The following is an entry in ClinVar:

ClinVar aggregate classification (germline): Benign. Review status: criteria provided, multiple submitters, no conflicts (2 of 4 stars). 5 submissions from 5 submitters: Benign (5). Last evaluated 2026-01-28.

Conditions:
FLNB-Related Spectrum Disorders.

Allele frequency attached by ClinVar (database versions not stated): gnomAD exomes 0.00054 and 0.00130; ExAC 0.00162; ESP Exome Variant Server 0.00515; gnomAD 0.00584 and 0.00622; 1000 Genomes Project 0.00599; TOPMed 0.00615; 1000 Genomes Project 30x 0.00750.
gnomAD v4.1: 1,709 of 1,613,932 alleles (0.11%); highest among the groups gnomAD compares: African/African-American, 2%; 14 homozygotes.

Submissions (5):

Labcorp Genetics (formerly Invitae), Labcorp
Classification: Benign. Last evaluated: 2026-01-28. Review status: criteria provided, single submitter. Criteria: Invitae Variant Classification Sherloc (09022015). Collection method: clinical testing. Allele origin: germline.

ARUP Laboratories, Molecular Genetics and Genomics, ARUP Laboratories
Classification: Benign. Last evaluated: 2024-02-29. Review status: criteria provided, single submitter. Criteria: ARUP Molecular Germline Variant Investigation Process 2024. Collection method: clinical testing. Allele origin: germline.

GeneDx
Classification: Benign. Last evaluated: 2018-01-16. Review status: criteria provided, single submitter. Criteria: GeneDx Variant Classification (06012015). Collection method: clinical testing. Allele origin: germline. Affected: yes.
Comment: This variant is considered likely benign or benign based on one or more of the following criteria: it is a conservative change, it occurs at a poorly conserved position in the protein, it is predicted to be benign by multiple in silico algorithms, and/or has population frequency not consistent with disease.

Illumina Laboratory Services, Illumina
Classification: Benign for FLNB-Related Spectrum Disorders. Last evaluated: 2018-01-13. Review status: criteria provided, single submitter. Criteria: ICSL Variant Classification Criteria 13 December 2019. Collection method: clinical testing. Allele origin: germline.
Comment: This variant was observed in the ICSL laboratory as part of a predisposition screen in an ostensibly healthy population. It had not been previously curated by ICSL or reported in the Human Gene Mutation Database (HGMD: prior to June 1st, 2018), and was therefore a candidate for classification through an automated scoring system. Utilizing variant allele frequency, disease prevalence and penetrance estimates, and inheritance mode, an automated score was calculated to assess if this variant is too frequent to cause the disease. Based on the score and internal cut-off values, a variant classified as benign is not then subjected to further curation. The score for this variant resulted in a classification of benign for this disease.

Breakthrough Genomics
Classification: Benign. Review status: criteria provided, single submitter. Criteria: ACMG Guidelines, 2015. Collection method: not provided. Allele origin: germline. Inheritance: Autosomal recessive inheritance. Affected: yes.

NM_001457.4(FLNB):c.249G>A (p.Ala83=)

Gene: FLNB (filamin B; plus strand). Cytogenetic location: 3p14.3.
Variant type: single nucleotide variant.
Coding change: c.249G>A on transcript NM_001457.4 (MANE Select); coding-DNA position 249, G replaced by A.
Protein change: p.Ala83=; no amino-acid change (alanine 83 retained).
Molecular consequence: synonymous variant.
Genome position (GRCh38, 1-based): chr3:58,008,813, G>A. VCF-style: chr3-58008813-G-A. GRCh37 (hg19) VCF-style: chr3-57994540-G-A.
Other names: c.249G>A, p.Ala83= (NM_001164317.2, NM_001164318.2, NM_001164319.2).
Identifiers: ClinVar variation 346299 (VCV000346299.24), dbSNP rs112750785, ClinGen allele CA2467479.